The following is an entry in ClinVar:

NM_000038.6(APC):c.5856G>C (p.Gln1952His)

Gene: APC (APC regulator of Wnt signaling pathway; plus strand). Cytogenetic location: 5q22.2.
Variant type: single nucleotide variant.
Coding change: c.5856G>C on transcript NM_000038.6 (MANE Select); coding-DNA position 5856, G replaced by C.
Protein change: p.Gln1952His; replaces glutamine 1952 with histidine.
Molecular consequence: missense variant.
Genome position (GRCh38, 1-based): chr5:112,841,450, G>C. VCF-style: chr5-112841450-G-C. GRCh37 (hg19) VCF-style: chr5-112177147-G-C.
Other names: c.5856G>C, p.Gln1952His (NM_001127510.3, NM_001354895.2); c.5802G>C, p.Gln1934His (NM_001127511.3); c.5910G>C, p.Gln1970His (NM_001354896.2); c.5886G>C, p.Gln1962His (NM_001354897.2); c.5781G>C, p.Gln1927His (NM_001354898.2); c.5772G>C, p.Gln1924His (NM_001354899.2); c.5733G>C, p.Gln1911His (NM_001354900.2); c.5679G>C, p.Gln1893His (NM_001354901.2); and 5 more; short protein forms Q1826H, Q1934H, Q1669H, Q1792H, Q1851H, Q1861H, Q1893H, Q1911H.
Identifiers: ClinVar variation 826010 (VCV000826010.5), dbSNP rs1580664782, ClinGen allele CA16034142.

ClinVar aggregate classification (germline): Uncertain significance (1 of 4 stars; one submission).

Conditions:
Hereditary cancer-predisposing syndrome. Also called: Neoplastic Syndromes, Hereditary; Tumor predisposition; Hereditary neoplastic syndrome; Hereditary Cancer Syndrome. Identifiers: Orphanet 140162, MedGen C0027672, MeSH D009386, MONDO:0015356.

Submission:

Ambry Genetics
Classification: Uncertain significance for Hereditary cancer-predisposing syndrome. Last evaluated: 2024-03-27. Review status: criteria provided, single submitter. Criteria: Ambry Variant Classification Scheme 2023. Collection method: clinical testing. Allele origin: germline.
Comment: The p.Q1952H variant (also known as c.5856G>C), located in coding exon 15 of the APC gene, results from a G to C substitution at nucleotide position 5856. The glutamine at codon 1952 is replaced by histidine, an amino acid with highly similar properties. This amino acid position is highly conserved in available vertebrate species. In addition, in silico predictors for this gene do not accurately predict pathogenicity. Since supporting evidence is limited at this time, the clinical significance of this alteration remains unclear.